The following is an entry in ClinVar:

ClinVar aggregate classification (germline): Pathogenic (1 of 4 stars; one submission).

Conditions:
Hereditary cancer-predisposing syndrome. Also called: Hereditary Cancer Syndrome; Neoplastic Syndromes, Hereditary; Tumor predisposition; Hereditary neoplastic syndrome. Identifiers: Orphanet 140162, MedGen C0027672, MeSH D009386, MONDO:0015356.

Submission:

Ambry Genetics
Classification: Pathogenic for Hereditary cancer-predisposing syndrome. Last evaluated: 2020-03-18. Review status: criteria provided, single submitter. Criteria: Ambry Variant Classification Scheme 2023. Collection method: clinical testing. Allele origin: germline.
Comment: The c.4871delT pathogenic mutation, located in coding exon 15 of the APC gene, results from a deletion of one nucleotide at position 4871, causing a translational frameshift with a predicted alternate stop codon (p.L1624Cfs*26). This alteration is expected to result in loss of function by premature protein truncation. As such, this alteration is interpreted as a disease-causing mutation.

NM_000038.6(APC):c.4871del (p.Leu1624fs)

Gene: APC (APC regulator of Wnt signaling pathway; plus strand). Cytogenetic location: 5q22.2.
Variant type: Deletion.
Coding change: c.4871del on transcript NM_000038.6 (MANE Select); coding-DNA position 4871, one base deleted (T; older notation c.4871delT).
Protein change: p.Leu1624fs; shifts the reading frame from leucine 1624.
Molecular consequence: frameshift variant.
Genome position (GRCh38, 1-based): chr5:112,840,465, T deleted; the last of 2 consecutive T bases (chr5:112,840,464-112,840,465); deleting either gives the same sequence. VCF-style (leftmost placement, unchanged base first): chr5-112840463-GT-G. GRCh37 (hg19) VCF-style: chr5-112176160-GT-G.
Other names: c.4871del, p.Leu1624fs (NM_001127510.3, NM_001354895.2); c.4817del, p.Leu1606fs (NM_001127511.3); c.4925del, p.Leu1642fs (NM_001354896.2); c.4901del, p.Leu1634fs (NM_001354897.2); c.4796del, p.Leu1599fs (NM_001354898.2); c.4787del, p.Leu1596fs (NM_001354899.2); c.4748del, p.Leu1583fs (NM_001354900.2); c.4694del, p.Leu1565fs (NM_001354901.2); and 16 more; short protein forms L1341fs, L1523fs, L1565fs, L1599fs, L1606fs, L1464fs, L1634fs, L1583fs.
Identifiers: ClinVar variation 1743722 (VCV001743722.2), dbSNP rs2533605125, ClinGen allele CA2580072581.